The following is an entry in ClinVar:

NM_000090.4(COL3A1):c.1793_1794delinsTA (p.Gly598Val)

Gene: COL3A1 (collagen type III alpha 1 chain; plus strand). Cytogenetic location: 2q32.2.
Variant type: Indel.
Coding change: c.1793_1794delinsTA on transcript NM_000090.4 (MANE Select); coding-DNA positions 1793 to 1794, GC replaced by TA.
Protein change: p.Gly598Val; replaces glycine 598 with valine.
Molecular consequence: missense variant.
Genome position (GRCh38, 1-based): chr2:188,997,196-188,997,197, GC replaced by TA. VCF-style: chr2-188997196-GC-TA. GRCh37 (hg19) VCF-style: chr2-189861922-GC-TA.
Other names: short protein forms G598V.
Identifiers: ClinVar variation 4759003 (VCV004759003.1).

ClinVar aggregate classification (germline): Uncertain significance (1 of 4 stars; one submission).

Conditions:
Familial thoracic aortic aneurysm and aortic dissection (TAAD). Also called: Thoracic aortic aneurysms and dissections. Identifiers: Orphanet 91387, MedGen C4707243, MONDO:0019625.

Submission:

Color Diagnostics, LLC DBA Color Health
Classification: Uncertain significance for Familial thoracic aortic aneurysm and aortic dissection. Last evaluated: 2025-07-29. Review status: criteria provided, single submitter. Criteria: ACMG Guidelines, 2015. Collection method: clinical testing. Allele origin: germline.
Comment: This missense variant replaces glycine with valine at codon 598 of the COL3A1 protein. To our knowledge, functional studies have not been reported for this variant. This variant has not been reported in individuals affected with COL3A1-related disorders in the literature. This variant has not been identified in the general population by the Genome Aggregation Database (gnomAD). The available evidence is insufficient to determine the role of this variant in disease conclusively. Therefore, this variant is classified as a Variant of Uncertain Significance.